The following is an entry in ClinVar:

NM_005045.4(RELN):c.410C>T (p.Pro137Leu)

Gene: RELN (reelin; minus strand). Cytogenetic location: 7q22.1.
Variant type: single nucleotide variant.
Coding change: c.410C>T on transcript NM_005045.4 (MANE Select); coding-DNA position 410, C replaced by T.
Protein change: p.Pro137Leu; replaces proline 137 with leucine.
Molecular consequence: missense variant.
Genome position (GRCh38, 1-based): chr7:103,833,600, G>A on the plus strand (C>T on the coding strand, the complement: RELN is on the minus strand). VCF-style: chr7-103833600-G-A. GRCh37 (hg19) VCF-style: chr7-103474047-G-A.
Other names: c.410C>T, p.Pro137Leu (NM_173054.3); short protein forms P137L.
Identifiers: ClinVar variation 2941914 (VCV002941914.3), dbSNP rs1793327210, ClinGen allele CA368930778.

ClinVar aggregate classification (germline): Uncertain significance (1 of 4 stars; one submission).

Conditions:
Norman-Roberts syndrome (LIS2). Also called: Lissencephaly 2 (Norman-Roberts type). Identifiers: Orphanet 89844, MedGen C0796089, MONDO:0009760, OMIM 257320.
Familial temporal lobe epilepsy 7. Identifiers: Orphanet 101046, MedGen C4225327, MONDO:0014639, OMIM 616436.

Allele frequency attached by ClinVar (database versions not stated): gnomAD exomes below 0.00001; gnomAD 0.00001.
gnomAD v4.1: 3 of 1,613,696 alleles (0.00019%); highest among the groups gnomAD compares: African/African-American, 0.0027%; no homozygotes.

Submission:

Labcorp Genetics (formerly Invitae), Labcorp
Classification: Uncertain significance for Familial temporal lobe epilepsy 7; Norman-Roberts syndrome. Last evaluated: 2024-10-23. Review status: criteria provided, single submitter. Criteria: Invitae Variant Classification Sherloc (09022015). Collection method: clinical testing. Allele origin: germline.
Comment: This sequence change replaces proline, which is neutral and non-polar, with leucine, which is neutral and non-polar, at codon 137 of the RELN protein (p.Pro137Leu). This variant is not present in population databases (gnomAD no frequency). This variant has not been reported in the literature in individuals affected with RELN-related conditions. Invitae Evidence Modeling of protein sequence and biophysical properties (such as structural, functional, and spatial information, amino acid conservation, physicochemical variation, residue mobility, and thermodynamic stability) indicates that this missense variant is not expected to disrupt RELN protein function with a negative predictive value of 80%. In summary, the available evidence is currently insufficient to determine the role of this variant in disease. Therefore, it has been classified as a Variant of Uncertain Significance.